The following is an entry in ClinVar:

ClinVar aggregate classification (germline): Uncertain significance (1 of 4 stars; one submission).

Submission:

Labcorp Genetics (formerly Invitae), Labcorp
Classification: Uncertain significance. Last evaluated: 2025-11-19. Review status: criteria provided, single submitter. Criteria: Invitae Variant Classification Sherloc (09022015). Collection method: clinical testing. Allele origin: germline.
Comment: This sequence change replaces aspartic acid, which is acidic and polar, with tyrosine, which is neutral and polar, at codon 378 of the MYOC protein (p.Asp378Tyr). This variant is not present in population databases (gnomAD no frequency). This variant has not been reported in the literature in individuals affected with MYOC-related conditions. Invitae Evidence Modeling of protein sequence and biophysical properties (such as structural, functional, and spatial information, amino acid conservation, physicochemical variation, residue mobility, and thermodynamic stability) indicates that this missense variant is expected to disrupt MYOC protein function with a positive predictive value of 95%. In summary, the available evidence is currently insufficient to determine the role of this variant in disease. Therefore, it has been classified as a Variant of Uncertain Significance.

NM_000261.2(MYOC):c.1132G>T (p.Asp378Tyr)

Gene: MYOC (myocilin; minus strand). Cytogenetic location: 1q24.3.
Variant type: single nucleotide variant.
Coding change: c.1132G>T on transcript NM_000261.2 (MANE Select); coding-DNA position 1132, G replaced by T.
Protein change: p.Asp378Tyr; replaces aspartic acid 378 with tyrosine.
Molecular consequence: missense variant.
Genome position (GRCh38, 1-based): chr1:171,636,308, C>A on the plus strand (G>T on the coding strand, the complement: MYOC is on the minus strand). VCF-style: chr1-171636308-C-A. GRCh37 (hg19) VCF-style: chr1-171605448-C-A.
Other names: short protein forms D378Y.
Identifiers: ClinVar variation 4746684 (VCV004746684.1).
Genomic context (GRCh38, chr1:171,636,308, plus strand): 5'-TGGCCTCATCGGTGCTGTAAATGACCCAGAGGCCTGCTTCATCCACAGCCAAGTCAATGT[C>A]CGTGTAGCCACCCCAAGAATACGGGAACTGTCCGTGGTAGCCAGCTCCAGGGATTTCCTT-3'
Protein context (NP_000252.1, residues 368-388): QFPYSWGGYT[Asp378Tyr]IDLAVDEAGL